The following is an entry in ClinVar:

ClinVar aggregate classification (germline): Pathogenic (1 of 4 stars; one submission).

Conditions:
Tuberous sclerosis 1 (TSC1). Identifiers: Orphanet 805, MedGen C1854465, MONDO:0008612, OMIM 191100.

Submission:

Labcorp Genetics (formerly Invitae), Labcorp
Classification: Pathogenic for Tuberous sclerosis 1. Last evaluated: 2022-10-08. Review status: criteria provided, single submitter. Criteria: Invitae Variant Classification Sherloc (09022015). Collection method: clinical testing. Allele origin: germline.
Comment: This sequence change creates a premature translational stop signal (p.Ile688Thrfs*31) in the TSC1 gene. It is expected to result in an absent or disrupted protein product. Loss-of-function variants in TSC1 are known to be pathogenic (PMID: 10227394, 17304050). This variant is not present in population databases (gnomAD no frequency). This variant has not been reported in the literature in individuals affected with TSC1-related conditions. For these reasons, this variant has been classified as Pathogenic.

Literature cited by the submitters: PubMed 10227394; PubMed 17304050.

NM_000368.5(TSC1):c.2063_2078del (p.Ile688fs)

Gene: TSC1 (TSC complex subunit 1; minus strand). Cytogenetic location: 9q34.13.
Variant type: Deletion.
Coding change: c.2063_2078del on transcript NM_000368.5 (MANE Select); coding-DNA positions 2063 to 2078, 16 bases deleted (TCCGCACCCTCCGAGA).
Protein change: p.Ile688fs; shifts the reading frame from isoleucine 688.
Molecular consequence: frameshift variant.
Genome position (GRCh38, 1-based): chr9:132,903,781-132,903,796, TCTCGGAGGGTGCGGA deleted on the plus strand (TCCGCACCCTCCGAGA on the coding strand, the reverse complement: TSC1 is on the minus strand); deleting any 16 consecutive bases within chr9:132,903,781-132,903,800 gives the same sequence; the c. name uses the placement nearest the transcript's 3' end. VCF-style (leftmost placement, unchanged base first): chr9-132903780-GTCTCGGAGGGTGCGGA-G. GRCh37 (hg19) VCF-style: chr9-135779167-GTCTCGGAGGGTGCGGA-G.
Other names: c.2060_2075del, p.Ile687fs (NM_001162426.2); c.1910_1925del, p.Ile637fs (NM_001162427.2); c.1700_1715del, p.Ile567fs (NM_001362177.2); c.2059_2074del16, p.Ile688Thrfs (NM_001406592.1, NM_001406593.1, NM_001406594.1 and 5 more transcripts); c.2056_2071del16, p.Ile687Thrfs (NM_001406597.1, NM_001406598.1, NM_001406599.1 and 3 more transcripts); c.2044_2059del16, p.Ile683Thrfs (NM_001406601.1, NM_001406602.1); c.2041_2056del16, p.Ile682Thrfs (NM_001406603.1, NM_001406604.1); c.1906_1921del16, p.Ile637Thrfs (NM_001406610.1); and 6 more; short protein forms I687fs, I567fs, I637fs, I688fs.
Identifiers: ClinVar variation 2034812 (VCV002034812.4), dbSNP rs2538658686, ClinGen allele CA2580080156.
Genomic context (GRCh38, chr9:132,903,780, plus strand): 5'-GGCATGCTGCTGCCTCTTAAAACGCTCATAGAGTAACTGGTTGTGCAGTAAAAGCAACTG[GTCTCGGAGGGTGCGGA>G]TCTCATCTGAAGGAGGAGAGCCTGATTGTAAAGCAGAGGGAGGGTGGCAGAAATGCCTTT-3'